The following is an entry in ClinVar:

ClinVar aggregate classification (germline): Uncertain significance (1 of 4 stars; one submission).

Conditions:
Retinitis pigmentosa 73 (RP73). Identifiers: Orphanet 791, MedGen C4225287, MONDO:0014687, OMIM 616544.
Mucopolysaccharidosis, MPS-III-C (MPS3C). Also called: MPS IIIC (Sanfilippo Syndrome Type C); MUCOPOLYSACCHARIDOSIS, TYPE IIIC; Mucopolysaccharidosis type IIIC (Sanfilippo C); SANFILIPPO SYNDROME C; MPS III C; mucopolysaccharidosis type 3C. Identifiers: Orphanet 581, Orphanet 79271, MedGen C0086649, MONDO:0009657, OMIM 252930.

Submission:

Labcorp Genetics (formerly Invitae), Labcorp
Classification: Uncertain significance for Retinitis pigmentosa 73; Mucopolysaccharidosis, MPS-III-C. Last evaluated: 2023-10-13. Review status: criteria provided, single submitter. Criteria: Invitae Variant Classification Sherloc (09022015). Collection method: clinical testing. Allele origin: germline.
Comment: This sequence change replaces alanine, which is neutral and non-polar, with valine, which is neutral and non-polar, at codon 14 of the HGSNAT protein (p.Ala14Val). This variant is not present in population databases (gnomAD no frequency). This variant has not been reported in the literature in individuals affected with HGSNAT-related conditions. ClinVar contains an entry for this variant (Variation ID: 1387849). Advanced modeling of protein sequence and biophysical properties (such as structural, functional, and spatial information, amino acid conservation, physicochemical variation, residue mobility, and thermodynamic stability) performed at Invitae indicates that this missense variant is not expected to disrupt HGSNAT protein function. In summary, the available evidence is currently insufficient to determine the role of this variant in disease. Therefore, it has been classified as a Variant of Uncertain Significance.

NM_152419.3(HGSNAT):c.41C>T (p.Ala14Val)

Genes: HGSNAT (heparan-alpha-glucosaminide N-acetyltransferase; plus strand), LOC130000316 (ATAC-STARR-seq lymphoblastoid silent region 19164; plus strand). Cytogenetic location: 8p11.21.
Variant type: single nucleotide variant.
Coding change: c.41C>T on transcript NM_152419.3 (MANE Select); coding-DNA position 41, C replaced by T.
Protein change: p.Ala14Val; replaces alanine 14 with valine.
Molecular consequence: missense variant. On other transcripts: 5 prime UTR variant (1).
Genome position (GRCh38, 1-based): chr8:43,140,537, C>T. VCF-style: chr8-43140537-C-T. GRCh37 (hg19) VCF-style: chr8-42995680-C-T.
Other names: c.41C>T, p.Ala14Val (NM_001363227.2, NM_001363228.2); c.-793C>T (NM_001363229.2); short protein forms A14V.
Identifiers: ClinVar variation 1387849 (VCV001387849.6), dbSNP rs2130647887, ClinGen allele CA371124564.
Genomic context (GRCh38, chr8:43,140,537, plus strand): 5'-CGGCCGAGCGGGCGGCGGGCATGAGCGGGGCGGGCAGGGCGCTGGCCGCGCTGCTGCTGG[C>T]CGCGTCCGTGCTGAGCGCCGCGCTGCTGGCCCCCGGCGGCTCTTCGGGGCGCGATGCCCA-3'
Protein context (NP_689632.2, residues 4-24): AGRALAALLL[Ala14Val]ASVLSAALLA